The following is an entry in ClinVar:

NM_022124.6(CDH23):c.5050C>T (p.Arg1684Cys)

Gene: CDH23 (cadherin related 23; plus strand). Cytogenetic location: 10q22.1.
Variant type: single nucleotide variant.
Coding change: c.5050C>T on transcript NM_022124.6 (MANE Select); coding-DNA position 5050, C replaced by T.
Protein change: p.Arg1684Cys; replaces arginine 1684 with cysteine.
Molecular consequence: missense variant.
Genome position (GRCh38, 1-based): chr10:71,777,884, C>T. VCF-style: chr10-71777884-C-T. GRCh37 (hg19) VCF-style: chr10-73537641-C-T.
Other names: short protein forms R1684C.
Identifiers: ClinVar variation 45962 (VCV000045962.21), dbSNP rs111033522, ClinGen allele CA137456.

ClinVar aggregate classification (germline): Conflicting classifications of pathogenicity. Review status: criteria provided, conflicting classifications (1 of 4 stars). 9 submissions from 8 submitters: Uncertain significance (5); Likely benign (3). 1 of the submissions does not count toward it. Last evaluated 2026-06-11.

Conditions:
Inborn genetic diseases. Identifiers: MedGen C0950123, MeSH D030342.
CDH23-related disorder. Also called: CDH23-related disorders; CDH23-related condition.
Usher syndrome type 1 (USH1). Also called: RETINITIS PIGMENTOSA AND CONGENITAL DEAFNESS. Identifiers: Orphanet 231169, Orphanet 886, MedGen C1568247, MONDO:0010168, OMIM 276900.
Autosomal recessive nonsyndromic hearing loss 12. Also called: DEAFNESS, AUTOSOMAL RECESSIVE 12. Identifiers: Orphanet 90636, MedGen C1832394, MONDO:0011067, OMIM 601386.
Usher syndrome type 1D (USH1D). Also called: USHER SYNDROME, TYPE ID. Identifiers: Orphanet 231169, Orphanet 886, MedGen C1832845, MONDO:0010984, OMIM 601067.

Allele frequency attached by ClinVar (database versions not stated): TOPMed 0.00045; 1000 Genomes Project 0.00020; ESP Exome Variant Server 0.00054; 1000 Genomes Project 30x 0.00031; gnomAD 0.00045 and 0.00043; ExAC 0.00064; gnomAD exomes 0.00048 and 0.00080.
gnomAD v4.1: 1,223 of 1,613,872 alleles (0.076%); highest among the groups gnomAD compares: Non-Finnish European, 0.097%; 1 homozygote.

Submissions (9):

PreventionGenetics, part of Exact Sciences
Classification: Uncertain significance for CDH23-related condition. Last evaluated: 2026-06-11. Review status: criteria provided, single submitter. Criteria: ACMG Guidelines, 2015. Collection method: clinical testing. Allele origin: germline.
Comment: The CDH23 c.5050C>T variant is predicted to result in the amino acid substitution p.Arg1684Cys. To our knowledge, this variant has not been reported in the literature. This variant is reported in 0.092% of alleles in individuals of European (Non-Finnish) descent in gnomAD, which may be too frequent to be a primary cause of disease. Although we suspect that this variant may be benign, at this time, the clinical significance of this variant is uncertain due to the absence of conclusive functional and genetic evidence.

Labcorp Genetics (formerly Invitae), Labcorp
Classification: Likely benign. Last evaluated: 2026-01-27. Review status: criteria provided, single submitter. Criteria: Invitae Variant Classification Sherloc (09022015). Collection method: clinical testing. Allele origin: germline.

Blueprint Genetics
Classification: Likely benign. Last evaluated: 2024-11-27. Review status: criteria provided, single submitter. Criteria: ACMG Guidelines, 2015. Collection method: clinical testing. Allele origin: germline.

Ambry Genetics
Classification: Uncertain significance for Inborn genetic diseases. Last evaluated: 2021-08-04. Review status: criteria provided, single submitter. Criteria: Ambry Variant Classification Scheme 2023. Collection method: clinical testing. Allele origin: germline.

Illumina Laboratory Services, Illumina
Classification: Uncertain significance for Usher syndrome type 1D. Last evaluated: 2018-01-13. Review status: criteria provided, single submitter. Criteria: ICSL Variant Classification Criteria 13 December 2019. Collection method: clinical testing. Allele origin: germline.

Illumina Laboratory Services, Illumina
Classification: Uncertain significance for Autosomal recessive nonsyndromic hearing loss 12. Last evaluated: 2018-01-13. Review status: criteria provided, single submitter. Criteria: ICSL Variant Classification Criteria 13 December 2019. Collection method: clinical testing. Allele origin: germline.

Eurofins Ntd Llc (ga)
Classification: Uncertain significance. Last evaluated: 2016-10-26. Review status: criteria provided, single submitter. Criteria: EGL Classification Definitions 2015. Collection method: clinical testing. Allele origin: germline. Observed: 3 variant alleles, 3 heterozygotes.

Laboratory for Molecular Medicine, Mass General Brigham Personalized Medicine
Classification: Likely benign. Last evaluated: 2010-01-28. Review status: criteria provided, single submitter. Criteria: LMM Criteria. Collection method: clinical testing. Allele origin: germline. Observed: 1 variant allele.

Natera, Inc.
Classification: Uncertain significance for Usher syndrome type 1. Last evaluated: 2020-04-16. Review status: no assertion criteria provided. Collection method: clinical testing. Allele origin: germline. Not counted in ClinVar's aggregate classification.